The following is an entry in ClinVar:

ClinVar aggregate classification (germline): Uncertain significance (1 of 4 stars; one submission).

Submission:

Ambry Genetics
Classification: Uncertain significance. Last evaluated: 2025-01-06. Review status: criteria provided, single submitter. Criteria: Ambry Variant Classification Scheme 2023. Collection method: clinical testing. Allele origin: germline.
Comment: The p.N992S variant (also known as c.2975A>G), located in coding exon 26 of the KIF1B gene, results from an A to G substitution at nucleotide position 2975. The asparagine at codon 992 is replaced by serine, an amino acid with highly similar properties. This amino acid position is conserved. In addition, this alteration is predicted to be tolerated by in silico analysis. Based on the available evidence, the clinical significance of this variant remains unclear.

NM_001365951.3(KIF1B):c.3113A>G (p.Asn1038Ser)

Gene: KIF1B (kinesin family member 1B; plus strand). Cytogenetic location: 1p36.22.
Variant type: single nucleotide variant.
Coding change: c.3113A>G on transcript NM_001365951.3 (MANE Select); coding-DNA position 3113, A replaced by G.
Protein change: p.Asn1038Ser; replaces asparagine 1038 with serine.
Molecular consequence: missense variant.
Genome position (GRCh38, 1-based): chr1:10,336,726, A>G. VCF-style: chr1-10336726-A-G. GRCh37 (hg19) VCF-style: chr1-10396784-A-G.
Other names: c.3113A>G, p.Asn1038Ser (NM_001365952.1); c.2975A>G, p.Asn992Ser (NM_015074.3); short protein forms N1038S, N992S.
Identifiers: ClinVar variation 3864062 (VCV003864062.1).